The following is an entry in ClinVar:

ClinVar aggregate classification (germline): Likely benign. Review status: criteria provided, multiple submitters, no conflicts (2 of 4 stars). 3 submissions from 3 submitters: Likely benign (3). Last evaluated 2024-09-15.

Conditions:
Inborn genetic diseases. Identifiers: MedGen C0950123, MeSH D030342.
Charcot-Marie-Tooth disease type 2. Also called: Charcot-Marie-Tooth type 2. Identifiers: Orphanet 64746, MedGen C0270914, MONDO:0018993.

Allele frequency attached by ClinVar (database versions not stated): TOPMed 0.00002; gnomAD 0.00003 and 0.00004; ExAC 0.00002; gnomAD exomes 0.00001.
gnomAD v4.1: 9 of 1,613,906 alleles (0.00056%); highest among the groups gnomAD compares: Admixed American, 0.0017%; no homozygotes.

Submissions (3):

Labcorp Genetics (formerly Invitae), Labcorp
Classification: Likely benign for Charcot-Marie-Tooth disease type 2. Last evaluated: 2024-09-15. Review status: criteria provided, single submitter. Criteria: Invitae Variant Classification Sherloc (09022015). Collection method: clinical testing. Allele origin: germline.

Ambry Genetics
Classification: Likely benign for Inborn genetic diseases. Last evaluated: 2019-07-11. Review status: criteria provided, single submitter. Criteria: Ambry Variant Classification Scheme 2023. Collection method: clinical testing. Allele origin: germline.

GeneDx
Classification: Likely benign. Last evaluated: 2016-06-29. Review status: criteria provided, single submitter. Criteria: GeneDx Variant Classification (06012015). Collection method: clinical testing. Allele origin: germline. Affected: yes.
Comment: This variant is considered likely benign or benign based on one or more of the following criteria: it is a conservative change, it occurs at a poorly conserved position in the protein, it is predicted to be benign by multiple in silico algorithms, and/or has population frequency not consistent with disease.

NM_001122955.4(BSCL2):c.621T>C (p.Ser207=)

Genes: BSCL2 (BSCL2 lipid droplet biogenesis associated, seipin; minus strand), HNRNPUL2-BSCL2 (HNRNPUL2-BSCL2 readthrough (NMD candidate); minus strand). Cytogenetic location: 11q12.3.
Variant type: single nucleotide variant.
Coding change: c.621T>C on transcript NM_001122955.4 (MANE Select); coding-DNA position 621, T replaced by C.
Protein change: p.Ser207=; no amino-acid change (serine 207 retained).
Molecular consequence: synonymous variant. On other transcripts: non-coding transcript variant (1).
Genome position (GRCh38, 1-based): chr11:62,694,577, A>G on the plus strand (T>C on the coding strand, the complement: BSCL2 is on the minus strand). VCF-style: chr11-62694577-A-G. GRCh37 (hg19) VCF-style: chr11-62462049-A-G.
Other names: c.429T>C, p.Ser143= (NM_001130702.2, NM_032667.6); c.621T>C, p.Ser207= (NM_001386027.1, NM_001386028.1).
Identifiers: ClinVar variation 387196 (VCV000387196.5), dbSNP rs777598096, ClinGen allele CA6053520.